The following is an entry in ClinVar:

NM_001369268.1(ACAN):c.7531C>T (p.Arg2511Trp)

Gene: ACAN (aggrecan; plus strand). Cytogenetic location: 15q26.1.
Variant type: single nucleotide variant.
Coding change: c.7531C>T on transcript NM_001369268.1 (MANE Select); coding-DNA position 7531, C replaced by T.
Protein change: p.Arg2511Trp; replaces arginine 2511 with tryptophan.
Molecular consequence: missense variant. On other transcripts: intron variant (1).
Genome position (GRCh38, 1-based): chr15:88,873,925, C>T. VCF-style: chr15-88873925-C-T. GRCh37 (hg19) VCF-style: chr15-89417156-C-T.
Other names: c.7417C>T (NM_013227.3); c.7303C>T, p.Arg2435Trp (NM_001411096.1); c.7417C>T, p.Arg2473Trp (NM_001411097.1, NM_013227.4); c.7220-480C>T (NM_001135.4); short protein forms R2435W, R2511W, R2473W.
Identifiers: ClinVar variation 2170230 (VCV002170230.8), dbSNP rs149099819, ClinGen allele CA7720718.
Genomic context (GRCh38, chr15:88,873,925, plus strand): 5'-GTGGAGCATGCCAGGACCTTCGGGCAGAAGAAGGACCGGTATGAGATCAATTCCCTGGTG[C>T]GGTACCAGTGCACAGAGGGGTTTGTCCAGCGCCACATGCCCACCATCCGGTGCCAGCCCA-3'
Protein context (NP_001356197.1, residues 2501-2521): KDRYEINSLV[Arg2511Trp]YQCTEGFVQR

ClinVar aggregate classification (germline): Conflicting classifications of pathogenicity. Review status: criteria provided, conflicting classifications (1 of 4 stars). 3 submissions from 3 submitters: Uncertain significance (2); Likely benign (1). Last evaluated 2025-12-30.

Allele frequency attached by ClinVar (database versions not stated): ExAC 0.00003; gnomAD exomes 0.00006; TOPMed 0.00008; gnomAD 0.00015; 1000 Genomes Project 0.00040; 1000 Genomes Project 30x 0.00047.
gnomAD v4.1: 110 of 1,613,752 alleles (0.0068%); highest among the groups gnomAD compares: Admixed American, 0.03%; no homozygotes.

Submissions (3):

Labcorp Genetics (formerly Invitae), Labcorp
Classification: Likely benign. Last evaluated: 2025-12-30. Review status: criteria provided, single submitter. Criteria: Invitae Variant Classification Sherloc (09022015). Collection method: clinical testing. Allele origin: germline.

Blueprint Genetics
Classification: Uncertain significance. Last evaluated: 2023-12-28. Review status: criteria provided, single submitter. Criteria: ACMG Guidelines, 2015. Collection method: clinical testing. Allele origin: germline.

GeneDx
Classification: Uncertain significance. Last evaluated: 2022-08-03. Review status: criteria provided, single submitter. Criteria: GeneDx Variant Classification Process June 2021. Collection method: clinical testing. Allele origin: germline. Affected: yes.
Comment: In silico analysis supports that this missense variant has a deleterious effect on protein structure/function; Has not been previously published as pathogenic or benign to our knowledge